The following is an entry in ClinVar:

ClinVar aggregate classification (germline): Uncertain significance (1 of 4 stars; one submission).

Submission:

Labcorp Genetics (formerly Invitae), Labcorp
Classification: Uncertain significance. Last evaluated: 2024-09-24. Review status: criteria provided, single submitter. Criteria: Invitae Variant Classification Sherloc (09022015). Collection method: clinical testing. Allele origin: germline.
Comment: This sequence change replaces isoleucine, which is neutral and non-polar, with alanine, which is neutral and non-polar, at codon 339 of the CYP11B2 protein (p.Ile339Ala). The frequency data for this variant in the population databases is considered unreliable, as metrics indicate poor data quality at this position in the gnomAD database. This variant has not been reported in the literature in individuals affected with CYP11B2-related conditions. ClinVar contains an entry for this variant (Variation ID: 2200200). An algorithm developed to predict the effect of missense changes on protein structure and function outputs the following: PolyPhen-2: "Benign". The alanine amino acid residue is found in multiple mammalian species, which suggests that this missense change does not adversely affect protein function. In summary, the available evidence is currently insufficient to determine the role of this variant in disease. Therefore, it has been classified as a Variant of Uncertain Significance.

NM_000498.3(CYP11B2):c.1015_1016delinsGC (p.Ile339Ala)

Genes: CYP11B2 (cytochrome P450 family 11 subfamily B member 2; minus strand), LOC106799834 (CYP11B2 recombination region; plus strand). Cytogenetic location: 8q24.3.
Variant type: Indel.
Coding change: c.1015_1016delinsGC on transcript NM_000498.3 (MANE Select); coding-DNA positions 1015 to 1016, AT replaced by GC.
Protein change: p.Ile339Ala; replaces isoleucine 339 with alanine.
Molecular consequence: missense variant.
Genome position (GRCh38, 1-based): chr8:142,913,390-142,913,391, AT replaced by GC on the plus strand (AT replaced by GC on the coding strand, the reverse complement: CYP11B2 is on the minus strand). VCF-style: chr8-142913390-AT-GC. GRCh37 (hg19) VCF-style: chr8-143994806-AT-GC.
Other names: short protein forms I339A.
Identifiers: ClinVar variation 2200200 (VCV002200200.2), dbSNP rs2488699090, ClinGen allele CA645545983.